The following is an entry in ClinVar:

ClinVar aggregate classification (germline): Likely benign. Review status: criteria provided, multiple submitters, no conflicts (2 of 4 stars). 6 submissions from 5 submitters: Likely benign (6). Last evaluated 2026-01-24.

Conditions:
Retinitis pigmentosa 39 (RP39). Identifiers: Orphanet 791, MedGen C3151138, MONDO:0013436, OMIM 613809.
Usher syndrome type 2A. Also called: RETINAL DISEASE IN USHER SYNDROME TYPE IIA, MODIFIER OF; USHER SYNDROME, TYPE IIA. Identifiers: Orphanet 231178, Orphanet 886, MedGen C1848634, MONDO:0010169, OMIM 276901.

Allele frequency attached by ClinVar (database versions not stated): TOPMed 0.00002; gnomAD 0.00006; ExAC 0.00007; gnomAD exomes 0.00007.
gnomAD v4.1: 113 of 1,613,954 alleles (0.007%); highest among the groups gnomAD compares: Middle Eastern, 0.033%; no homozygotes.

Submissions (6):

Labcorp Genetics (formerly Invitae), Labcorp
Classification: Likely benign. Last evaluated: 2026-01-24. Review status: criteria provided, single submitter. Criteria: Invitae Variant Classification Sherloc (09022015). Collection method: clinical testing. Allele origin: germline.

Blueprint Genetics
Classification: Likely benign. Last evaluated: 2024-11-04. Review status: criteria provided, single submitter. Criteria: ACMG Guidelines, 2015. Collection method: clinical testing. Allele origin: germline.

Women's Health and Genetics/Laboratory Corporation of America, LabCorp
Classification: Likely benign. Last evaluated: 2024-02-19. Review status: criteria provided, single submitter. Criteria: LabCorp Variant Classification Summary - May 2015. Collection method: clinical testing. Allele origin: germline.

Genome-Nilou Lab
Classification: Likely benign for Retinitis pigmentosa 39. Last evaluated: 2023-11-04. Review status: criteria provided, single submitter. Criteria: ACMG Guidelines, 2015. Collection method: clinical testing. Allele origin: germline. Affected: no.

Genome-Nilou Lab
Classification: Likely benign for Usher syndrome type 2A. Last evaluated: 2023-11-04. Review status: criteria provided, single submitter. Criteria: ACMG Guidelines, 2015. Collection method: clinical testing. Allele origin: germline. Affected: no.

GeneDx
Classification: Likely benign. Last evaluated: 2017-05-25. Review status: criteria provided, single submitter. Criteria: GeneDx Variant Classification (06012015). Collection method: clinical testing. Allele origin: germline. Affected: yes.
Comment: This variant is considered likely benign or benign based on one or more of the following criteria: it is a conservative change, it occurs at a poorly conserved position in the protein, it is predicted to be benign by multiple in silico algorithms, and/or has population frequency not consistent with disease.

NM_206933.4(USH2A):c.9816G>A (p.Pro3272=)

Gene: USH2A (usherin; minus strand). Cytogenetic location: 1q41.
Variant type: single nucleotide variant.
Coding change: c.9816G>A on transcript NM_206933.4 (MANE Select); coding-DNA position 9816, G replaced by A.
Protein change: p.Pro3272=; no amino-acid change (proline 3272 retained).
Molecular consequence: synonymous variant.
Genome position (GRCh38, 1-based): chr1:215,799,049, C>T on the plus strand (G>A on the coding strand, the complement: USH2A is on the minus strand). VCF-style: chr1-215799049-C-T. GRCh37 (hg19) VCF-style: chr1-215972391-C-T.
Identifiers: ClinVar variation 509614 (VCV000509614.11), dbSNP rs745566865, ClinGen allele CA1394198.